The following is an entry in ClinVar:

ClinVar aggregate classification (germline): Uncertain significance (1 of 4 stars; one submission).

Conditions:
Hereditary cancer-predisposing syndrome. Also called: Neoplastic Syndromes, Hereditary; Tumor predisposition; Hereditary neoplastic syndrome; Hereditary Cancer Syndrome. Identifiers: Orphanet 140162, MedGen C0027672, MeSH D009386, MONDO:0015356.

Submission:

Ambry Genetics
Classification: Uncertain significance for Hereditary cancer-predisposing syndrome. Last evaluated: 2023-11-03. Review status: criteria provided, single submitter. Criteria: Ambry Variant Classification Scheme 2023. Collection method: clinical testing. Allele origin: germline.
Comment: The p.P1648S variant (also known as c.4942C>T), located in coding exon 15 of the APC gene, results from a C to T substitution at nucleotide position 4942. The proline at codon 1648 is replaced by serine, an amino acid with similar properties. This amino acid position is conserved. In addition, in silico predictors for this gene do not accurately predict pathogenicity. Since supporting evidence is limited at this time, the clinical significance of this alteration remains unclear.

NM_000038.6(APC):c.4942C>T (p.Pro1648Ser)

Gene: APC (APC regulator of Wnt signaling pathway; plus strand). Cytogenetic location: 5q22.2.
Variant type: single nucleotide variant.
Coding change: c.4942C>T on transcript NM_000038.6 (MANE Select); coding-DNA position 4942, C replaced by T.
Protein change: p.Pro1648Ser; replaces proline 1648 with serine.
Molecular consequence: missense variant. On other transcripts: non-coding transcript variant (2).
Genome position (GRCh38, 1-based): chr5:112,840,536, C>T. VCF-style: chr5-112840536-C-T. GRCh37 (hg19) VCF-style: chr5-112176233-C-T.
Other names: c.4942C>T, p.Pro1648Ser (NM_001127510.3, NM_001354895.2, NM_001407450.1); c.4888C>T, p.Pro1630Ser (NM_001127511.3); c.4996C>T, p.Pro1666Ser (NM_001354896.2, NM_001407447.1, NM_001407448.1 and 1 more transcripts); c.4972C>T, p.Pro1658Ser (NM_001354897.2); c.4867C>T, p.Pro1623Ser (NM_001354898.2); c.4858C>T, p.Pro1620Ser (NM_001354899.2); c.4819C>T, p.Pro1607Ser (NM_001354900.2); c.4765C>T, p.Pro1589Ser (NM_001354901.2, NM_001407453.1); and 11 more; short protein forms P1264S, P1365S, P1488S, P1519S, P1522S, P1547S, P1557S, P1565S.
Identifiers: ClinVar variation 3230587 (VCV003230587.1), dbSNP rs1765809090, ClinGen allele CA16032154.